The following is an entry in ClinVar:

NM_001368894.2(PAX6):c.19G>A (p.Gly7Arg)

Gene: PAX6 (paired box 6; minus strand). Cytogenetic location: 11p13.
Variant type: single nucleotide variant.
Coding change: c.19G>A on transcript NM_001368894.2 (MANE Select); coding-DNA position 19, G replaced by A.
Protein change: p.Gly7Arg; replaces glycine 7 with arginine.
Molecular consequence: missense variant. On other transcripts: 5 prime UTR variant (12), non-coding transcript variant (2), intron variant (2).
Genome position (GRCh38, 1-based): chr11:31,802,826, C>T on the plus strand (G>A on the coding strand, the complement: PAX6 is on the minus strand). VCF-style: chr11-31802826-C-T. GRCh37 (hg19) VCF-style: chr11-31824374-C-T.
Other names: c.19G>A, p.Gly7Arg (NM_000280.6, NM_001127612.3, NM_001258462.3 and 30 more transcripts); c.-763G>A (NM_001310160.2, NM_001368905.2); c.-432G>A (NM_001310161.3, NM_001368900.2, NM_001368903.2 and 2 more transcripts); c.-390G>A (NM_001368899.2, NM_001368901.2, NM_001368906.2 and 1 more transcripts); c.-721G>A (NM_001368902.2); c.262G>A, p.Gly88Arg (NM_001368910.2); c.22G>A, p.Gly8Arg (NM_001368911.2); c.-267-1050G>A (NM_001368909.2, NM_001368904.2); short protein forms G7R, G88R, G8R.
Identifiers: ClinVar variation 3903274 (VCV003903274.1).
Genomic context (GRCh38, chr11:31,802,826, plus strand): 5'-GCCGGGTGGAGTCCGGCAGTGGCCGCCCGTTGACAAAGACACCACCGAGCTGATTCACTC[C>T]GCTGTGACCTGAGGAAAGGGAGAGGAGAGGAAAGGGGAAAAGAAGAGAAGAGAGCAGAGT-3'
Protein context (NP_001355823.1, residues 1-17): MQNSHS[Gly7Arg]VNQLGGVFVN

ClinVar aggregate classification (germline): Uncertain significance (1 of 4 stars; one submission).

Submission:

GeneDx
Classification: Uncertain significance. Last evaluated: 2024-12-09. Review status: criteria provided, single submitter. Criteria: GeneDx Variant Classification Process June 2021. Collection method: clinical testing. Allele origin: germline. Affected: yes.
Comment: Not observed at significant frequency in large population cohorts (gnomAD); In silico analysis supports that this missense variant has a deleterious effect on protein structure/function; Has not been previously published as pathogenic or benign to our knowledge